The following is an entry in ClinVar:

NM_053025.4(MYLK):c.2596G>A (p.Gly866Ser)

Gene: MYLK (myosin light chain kinase; minus strand). Cytogenetic location: 3q21.1.
Variant type: single nucleotide variant.
Coding change: c.2596G>A on transcript NM_053025.4 (MANE Select); coding-DNA position 2596, G replaced by A.
Protein change: p.Gly866Ser; replaces glycine 866 with serine.
Molecular consequence: missense variant.
Genome position (GRCh38, 1-based): chr3:123,700,872, C>T on the plus strand (G>A on the coding strand, the complement: MYLK is on the minus strand). VCF-style: chr3-123700872-C-T. GRCh37 (hg19) VCF-style: chr3-123419719-C-T.
Other names: c.2068G>A, p.Gly690Ser (NM_001321309.2); c.2389G>A, p.Gly797Ser (NM_053026.4, NM_053028.4); c.2596G>A, p.Gly866Ser (NM_053027.4); short protein forms G866S, G797S, G690S.
Identifiers: ClinVar variation 155819 (VCV000155819.12), dbSNP rs587782966, ClinGen allele CA024829.

ClinVar aggregate classification (germline): Conflicting classifications of pathogenicity. Review status: criteria provided, conflicting classifications (1 of 4 stars). 6 submissions from 6 submitters: Uncertain significance (5); Likely benign (1). Last evaluated 2025-08-01.

Conditions:
Aortic aneurysm, familial thoracic 7 (AAT7). Also called: AORTIC DISSECTION, FAMILIAL, WITH OR WITHOUT AORTIC ANEURYSM. Identifiers: MedGen C3151077, MONDO:0013418, OMIM 613780.
Megacystis-microcolon-intestinal hypoperistalsis syndrome 1. Identifiers: MedGen C5542316, MONDO:0100354, OMIM 249210.
MYLK-related disorder. Also called: MYLK-related condition.
Familial thoracic aortic aneurysm and aortic dissection (TAAD). Also called: Thoracic aortic aneurysms and dissections. Identifiers: Orphanet 91387, MedGen C4707243, MONDO:0019625.

Allele frequency attached by ClinVar (database versions not stated): ExAC 0.00002; gnomAD 0.00002; TOPMed 0.00002; gnomAD exomes 0.00003.
gnomAD v4.1: 24 of 1,613,338 alleles (0.0015%); highest among the groups gnomAD compares: Middle Eastern, 0.016%; no homozygotes.

Submissions (6):

Ambry Genetics
Classification: Likely benign for Familial thoracic aortic aneurysm and aortic dissection. Last evaluated: 2025-08-01. Review status: criteria provided, single submitter. Criteria: Ambry Variant Classification Scheme 2023. Collection method: clinical testing. Allele origin: germline.

PreventionGenetics, part of Exact Sciences
Classification: Uncertain significance for MYLK-related condition. Last evaluated: 2025-04-18. Review status: criteria provided, single submitter. Criteria: ACMG Guidelines, 2015. Collection method: clinical testing. Allele origin: germline.
Comment: The MYLK c.2596G>A variant is predicted to result in the amino acid substitution p.Gly866Ser. To our knowledge, this variant has not been reported in the literature. This variant is reported in 0.014% of alleles in individuals of Latino descent in gnomAD. At this time, the clinical significance of this variant is uncertain due to the absence of conclusive functional and genetic evidence.

Labcorp Genetics (formerly Invitae), Labcorp
Classification: Uncertain significance for Aortic aneurysm, familial thoracic 7. Last evaluated: 2024-10-27. Review status: criteria provided, single submitter. Criteria: Invitae Variant Classification Sherloc (09022015). Collection method: clinical testing. Allele origin: germline.
Comment: This sequence change replaces glycine, which is neutral and non-polar, with serine, which is neutral and polar, at codon 866 of the MYLK protein (p.Gly866Ser). This variant is present in population databases (rs587782966, gnomAD 0.01%). This variant has not been reported in the literature in individuals affected with MYLK-related conditions. ClinVar contains an entry for this variant (Variation ID: 155819). Invitae Evidence Modeling of protein sequence and biophysical properties (such as structural, functional, and spatial information, amino acid conservation, physicochemical variation, residue mobility, and thermodynamic stability) indicates that this missense variant is not expected to disrupt MYLK protein function with a negative predictive value of 80%. In summary, the available evidence is currently insufficient to determine the role of this variant in disease. Therefore, it has been classified as a Variant of Uncertain Significance.

Blueprint Genetics
Classification: Uncertain significance. Last evaluated: 2021-11-10. Review status: criteria provided, single submitter. Criteria: ACMG Guidelines, 2015. Collection method: clinical testing. Allele origin: germline.

Fulgent Genetics
Classification: Uncertain significance for Megacystis-microcolon-intestinal hypoperistalsis syndrome 1; Aortic aneurysm, familial thoracic 7. Last evaluated: 2021-08-04. Review status: criteria provided, single submitter. Criteria: ACMG Guidelines, 2015. Collection method: clinical testing. Allele origin: unknown.

GeneDx
Classification: Uncertain significance. Last evaluated: 2018-12-07. Review status: criteria provided, single submitter. Criteria: GeneDx Variant Classification (06012015). Collection method: clinical testing. Allele origin: germline. Affected: yes.
Comment: The G866S variant of uncertain significance in the MYLK gene has not been published as pathogenic or been reported as benign to our knowledge. This variant is observed in 8/245304 (0.003%) alleles from individuals of multiple ethnic backgrounds in large population cohorts (Lek et al., 2016). In-silico analyses, including protein predictors and evolutionary conservation, support that this variant does not alter protein structure/function. Nonetheless, the G866S variant is a non-conservative amino acid substitution, which is likely to impact secondary protein structure as these residues differ in polarity, charge, size and/or other properties. Therefore, based on the currently available information, it is unclear whether this variant is pathogenic or rare benign.